The following is an entry in ClinVar:

NM_001005373.4(LRSAM1):c.1145G>A (p.Arg382Gln)

Gene: LRSAM1 (leucine rich repeat and sterile alpha motif containing 1; plus strand). Cytogenetic location: 9q33.3.
Variant type: single nucleotide variant.
Coding change: c.1145G>A on transcript NM_001005373.4 (MANE Select); coding-DNA position 1145, G replaced by A.
Protein change: p.Arg382Gln; replaces arginine 382 with glutamine.
Molecular consequence: missense variant. On other transcripts: non-coding transcript variant (2).
Genome position (GRCh38, 1-based): chr9:127,483,006, G>A. VCF-style: chr9-127483006-G-A. GRCh37 (hg19) VCF-style: chr9-130245285-G-A.
Other names: c.1145G>A, p.Arg382Gln (NM_001005374.4, NM_001190723.3, NM_001384142.1 and 2 more transcripts); c.356G>A, p.Arg119Gln (NM_001384144.1); short protein forms R382Q, R119Q.
Identifiers: ClinVar variation 567650 (VCV000567650.8), dbSNP rs369596799, ClinGen allele CA199849240.

ClinVar aggregate classification (germline): Uncertain significance (1 of 4 stars; one submission).

Conditions:
Charcot-Marie-Tooth disease axonal type 2P. Also called: Charcot-Marie-Tooth Neuropathy Type 2G; CHARCOT-MARIE-TOOTH DISEASE, AXONAL, TYPE 2G; CMT 2G; CHARCOT-MARIE-TOOTH NEUROPATHY, TYPE 2P. Identifiers: Orphanet 300319, Orphanet 99941, MedGen C3280797, MONDO:0013753, OMIM 614436.

Allele frequency attached by ClinVar (database versions not stated): gnomAD exomes below 0.00001 and 0.00001; gnomAD 0.00003 and 0.00004; TOPMed 0.00005; ESP Exome Variant Server 0.00008.
gnomAD v4.1: 19 of 1,598,198 alleles (0.0012%); highest among the groups gnomAD compares: African/African-American, 0.008%; no homozygotes.

Submission:

Labcorp Genetics (formerly Invitae), Labcorp
Classification: Uncertain significance for Charcot-Marie-Tooth disease axonal type 2P. Last evaluated: 2026-01-09. Review status: criteria provided, single submitter. Criteria: Invitae Variant Classification Sherloc (09022015). Collection method: clinical testing. Allele origin: germline.
Comment: This sequence change replaces arginine, which is basic and polar, with glutamine, which is neutral and polar, at codon 382 of the LRSAM1 protein (p.Arg382Gln). The frequency data for this variant in the population databases is considered unreliable, as metrics indicate poor data quality at this position in the gnomAD database. This variant has not been reported in the literature in individuals affected with LRSAM1-related conditions. ClinVar contains an entry for this variant (Variation ID: 567650). An algorithm developed to predict the effect of missense changes on protein structure and function outputs the following: PolyPhen-2: "Benign". The glutamine amino acid residue is found in multiple mammalian species, which suggests that this missense change does not adversely affect protein function. In summary, the available evidence is currently insufficient to determine the role of this variant in disease. Therefore, it has been classified as a Variant of Uncertain Significance.